The following is an entry in ClinVar:

ClinVar aggregate classification (germline): Uncertain significance (1 of 4 stars; one submission).

gnomAD v4.1: 2 of 1,612,814 alleles (0.00012%); highest among the groups gnomAD compares: Non-Finnish European, 0.000085%; no homozygotes.

Submission:

Ambry Genetics
Classification: Uncertain significance. Last evaluated: 2025-08-31. Review status: criteria provided, single submitter. Criteria: Ambry Variant Classification Scheme 2023. Collection method: clinical testing. Allele origin: germline.
Comment: The p.Q872H variant (also known as c.2616A>C), located in coding exon 7 of the CDK12 gene, results from an A to C substitution at nucleotide position 2616. The glutamine at codon 872 is replaced by histidine, an amino acid with highly similar properties. This amino acid position is conserved. In addition, the in silico prediction for this alteration is inconclusive. Based on the available evidence, the clinical significance of this variant remains unclear.

NM_016507.4(CDK12):c.2616A>C (p.Gln872His)

Gene: CDK12 (cyclin dependent kinase 12; plus strand). Cytogenetic location: 17q12.
Variant type: single nucleotide variant.
Coding change: c.2616A>C on transcript NM_016507.4 (MANE Select); coding-DNA position 2616, A replaced by C.
Protein change: p.Gln872His; replaces glutamine 872 with histidine.
Molecular consequence: missense variant.
Genome position (GRCh38, 1-based): chr17:39,509,711, A>C. VCF-style: chr17-39509711-A-C. GRCh37 (hg19) VCF-style: chr17-37665964-A-C.
Other names: c.2616A>C, p.Gln872His (NM_015083.4); short protein forms Q872H.
Identifiers: ClinVar variation 4224433 (VCV004224433.1).